The following is an entry in ClinVar:

ClinVar aggregate classification (germline): Uncertain significance (1 of 4 stars; one submission).

Allele frequency attached by ClinVar (database versions not stated): gnomAD exomes below 0.00001; gnomAD 0.00001; TOPMed 0.00001.

Submission:

Labcorp Genetics (formerly Invitae), Labcorp
Classification: Uncertain significance. Last evaluated: 2022-08-15. Review status: criteria provided, single submitter. Criteria: Invitae Variant Classification Sherloc (09022015). Collection method: clinical testing. Allele origin: germline.
Comment: In summary, the available evidence is currently insufficient to determine the role of this variant in disease. Therefore, it has been classified as a Variant of Uncertain Significance. Algorithms developed to predict the effect of missense changes on protein structure and function are either unavailable or do not agree on the potential impact of this missense change (SIFT: "Tolerated"; PolyPhen-2: "Probably Damaging"; Align-GVGD: "Class C0"). This variant has not been reported in the literature in individuals affected with MMP9-related conditions. This variant is present in population databases (no rsID available, gnomAD 0.0009%). This sequence change replaces glycine, which is neutral and non-polar, with serine, which is neutral and polar, at codon 340 of the MMP9 protein (p.Gly340Ser).

NM_004994.3(MMP9):c.1018G>A (p.Gly340Ser)

Gene: MMP9 (matrix metallopeptidase 9; plus strand). Cytogenetic location: 20q13.12.
Variant type: single nucleotide variant.
Coding change: c.1018G>A on transcript NM_004994.3 (MANE Select); coding-DNA position 1018, G replaced by A.
Protein change: p.Gly340Ser; replaces glycine 340 with serine.
Molecular consequence: missense variant.
Genome position (GRCh38, 1-based): chr20:46,012,157, G>A. VCF-style: chr20-46012157-G-A. GRCh37 (hg19) VCF-style: chr20-44640796-G-A.
Other names: short protein forms G340S.
Identifiers: ClinVar variation 2041496 (VCV002041496.4), dbSNP rs1200165936, ClinGen allele CA409216583.
Genomic context (GRCh38, chr20:46,012,157, plus strand): 5'-CTCATCCATCTGGCTCATCCAAGGCCTTGGGTCTCTCCAGCTGACTCGACGGTGATGGGG[G>A]GCAACTCGGCGGGGGAGCTGTGCGTCTTCCCCTTCACTTTCCTGGGTAAGGAGTACTCGA-3'
Protein context (NP_004985.2, residues 330-350): PTRADSTVMG[Gly340Ser]NSAGELCVFP